The following is an entry in ClinVar:

NM_001110556.2(FLNA):c.6067G>C (p.Val2023Leu)

Gene: FLNA (filamin A; minus strand). Cytogenetic location: Xq28.
Variant type: single nucleotide variant.
Coding change: c.6067G>C on transcript NM_001110556.2 (MANE Select); coding-DNA position 6067, G replaced by C.
Protein change: p.Val2023Leu; replaces valine 2023 with leucine.
Molecular consequence: missense variant.
Genome position (GRCh38, 1-based): chrX:154,353,160, C>G on the plus strand (G>C on the coding strand, the complement: FLNA is on the minus strand). VCF-style: chrX-154353160-C-G. GRCh37 (hg19) VCF-style: chrX-153581528-C-G.
Other names: c.6043G>C, p.Val2015Leu (NM_001456.4); short protein forms V2023L, V2015L.
Identifiers: ClinVar variation 1364449 (VCV001364449.6), dbSNP rs781998679, ClinGen allele CA10560168.
Genomic context (GRCh38, chrX:154,353,160, plus strand): 5'-CCGACTGGCTGATCACCACCGGGATGGGGCTGCTGGCCACGTGCTGGCCATTTTTCTTCA[C>G]ATGCACCAGGTGCTCCCCCGTCTCCTTGGGCACGAATGAAATCCCTGGACACAGGGCATG-3'
Protein context (NP_001104026.1, residues 2013-2033): PKETGEHLVH[Val2023Leu]KKNGQHVASS

ClinVar aggregate classification (germline): Uncertain significance (1 of 4 stars; one submission).

Conditions:
Heterotopia, periventricular, X-linked dominant (PVNH1). Also called: PERIVENTRICULAR NODULAR HETEROTOPIA 1; X-linked periventricular heterotopia; PERIVENTRICULAR NODULAR HETEROTOPIA 4; HETEROTOPIA, PERIVENTRICULAR, 1. Identifiers: Orphanet 2149, Orphanet 82004, MedGen C1848213, MONDO:0010233, OMIM 300049.
Oto-palato-digital syndrome, type II (OPD2). Also called: OPD II SYNDROME; Otopalatodigital Syndrome, Type II; Otopalatodigital Syndrome Type 2 (FLNA-OPD2); FACIOPALATOOSSEOUS SYNDROME. Identifiers: Orphanet 669, Orphanet 90652, MedGen C1844696, MONDO:0010571, OMIM 304120.
Melnick-Needles syndrome (MNS). Also called: MELNICK-NEEDLES OSTEODYSPLASTY; OSTEODYSPLASTY OF MELNICK AND NEEDLES; Melnick-Needles Syndrome (FLNA-MNS). Identifiers: Orphanet 2484, MedGen C0025237, MONDO:0010650, OMIM 309350.
Frontometaphyseal dysplasia (FMD1). Identifiers: Orphanet 1826, MedGen C0265293, MONDO:0015942.

Allele frequency attached by ClinVar (database versions not stated): gnomAD exomes below 0.00001 and 0.00001; ExAC 0.00001.
gnomAD v4.1: 1 of 1,211,864 alleles (0.000083%); highest among the groups gnomAD compares: Admixed American, 0.0022%; no homozygotes.

Submission:

Labcorp Genetics (formerly Invitae), Labcorp
Classification: Uncertain significance for Oto-palato-digital syndrome, type II; Heterotopia, periventricular, X-linked dominant; Frontometaphyseal dysplasia; Melnick-Needles syndrome. Last evaluated: 2021-08-20. Review status: criteria provided, single submitter. Criteria: Invitae Variant Classification Sherloc (09022015). Collection method: clinical testing. Allele origin: germline.
Comment: In summary, the available evidence is currently insufficient to determine the role of this variant in disease. Therefore, it has been classified as a Variant of Uncertain Significance. Advanced modeling of protein sequence and biophysical properties (such as structural, functional, and spatial information, amino acid conservation, physicochemical variation, residue mobility, and thermodynamic stability) performed at Invitae indicates that this missense variant is not expected to disrupt FLNA protein function. This variant has not been reported in the literature in individuals affected with FLNA-related conditions. This variant is present in population databases (rs781998679, ExAC 0.01%). This sequence change replaces valine with leucine at codon 2015 of the FLNA protein (p.Val2015Leu). The valine residue is moderately conserved and there is a small physicochemical difference between valine and leucine.